The following is an entry in ClinVar:

NM_000147.5(FUCA1):c.524+261T>C

Gene: FUCA1 (alpha-L-fucosidase 1; minus strand). Cytogenetic location: 1p36.11.
Variant type: single nucleotide variant.
Coding change: c.524+261T>C on transcript NM_000147.5 (MANE Select); 261 bases into the intron after coding-DNA position 524, T replaced by C.
Molecular consequence: intron variant.
Genome position (GRCh38, 1-based): chr1:23,865,230, A>G on the plus strand (T>C on the coding strand, the complement: FUCA1 is on the minus strand). VCF-style: chr1-23865230-A-G. GRCh37 (hg19) VCF-style: chr1-24191720-A-G.
Identifiers: ClinVar variation 683986 (VCV000683986.1), dbSNP rs34570472, ClinGen allele CA10874389.
Genomic context (GRCh38, chr1:23,865,230, plus strand): 5'-CTCAAACAGGACATCAAGTAGCATCGTAGTCTATGTTGGGTATCCTTCATCTAACCAGAC[A>G]TGGCCATGAACTTCTGTAACGGTGTCCCCTTTGGTCACGTGAAAACTGTGAAGCATCAAA-3'

ClinVar aggregate classification (germline): Benign (1 of 4 stars; one submission).

Allele frequency attached by ClinVar (database versions not stated): 1000 Genomes Project 30x 0.20893; 1000 Genomes Project 0.21206; TOPMed 0.25466; gnomAD 0.26755 and 0.27172.
gnomAD v4.1: 40,881 of 152,120 alleles (27%); highest among the groups gnomAD compares: Non-Finnish European, 34%; 6,051 homozygotes.

Submission:

GeneDx
Classification: Benign. Last evaluated: 2018-06-19. Review status: criteria provided, single submitter. Criteria: GeneDx Variant Classification (06012015). Collection method: clinical testing. Allele origin: germline. Affected: yes.
Comment: This variant is considered likely benign or benign based on one or more of the following criteria: it is a conservative change, it occurs at a poorly conserved position in the protein, it is predicted to be benign by multiple in silico algorithms, and/or has population frequency not consistent with disease.